The following is an entry in ClinVar:

NM_014797.3(ZBTB24):c.851G>A (p.Gly284Glu)

Gene: ZBTB24 (zinc finger and BTB domain containing 24; minus strand). Cytogenetic location: 6q21.
Variant type: single nucleotide variant.
Coding change: c.851G>A on transcript NM_014797.3 (MANE Select); coding-DNA position 851, G replaced by A.
Protein change: p.Gly284Glu; replaces glycine 284 with glutamic acid.
Molecular consequence: missense variant.
Genome position (GRCh38, 1-based): chr6:109,481,176, C>T on the plus strand (G>A on the coding strand, the complement: ZBTB24 is on the minus strand). VCF-style: chr6-109481176-C-T. GRCh37 (hg19) VCF-style: chr6-109802379-C-T.
Other names: c.851G>A, p.Gly284Glu (NM_001164313.2); short protein forms G284E.
Identifiers: ClinVar variation 1445118 (VCV001445118.7), dbSNP rs2115366446, ClinGen allele CA365207829.

ClinVar aggregate classification (germline): Uncertain significance (1 of 4 stars; one submission).

Conditions:
Immunodeficiency-centromeric instability-facial anomalies syndrome 2 (ICF2). Identifiers: Orphanet 2268, MedGen C3279748, MONDO:0013553, OMIM 614069.

Allele frequency attached by ClinVar (database versions not stated): gnomAD exomes below 0.00001.
gnomAD v4.1: 3 of 1,614,220 alleles (0.00019%); highest among the groups gnomAD compares: Non-Finnish European, 0.00025%; no homozygotes.

Submission:

Labcorp Genetics (formerly Invitae), Labcorp
Classification: Uncertain significance for Immunodeficiency-centromeric instability-facial anomalies syndrome 2. Last evaluated: 2024-04-24. Review status: criteria provided, single submitter. Criteria: Invitae Variant Classification Sherloc (09022015). Collection method: clinical testing. Allele origin: germline.
Comment: This sequence change replaces glycine, which is neutral and non-polar, with glutamic acid, which is acidic and polar, at codon 284 of the ZBTB24 protein (p.Gly284Glu). This variant is not present in population databases (gnomAD no frequency). This variant has not been reported in the literature in individuals affected with ZBTB24-related conditions. ClinVar contains an entry for this variant (Variation ID: 1445118). An algorithm developed to predict the effect of missense changes on protein structure and function (PolyPhen-2) suggests that this variant is likely to be disruptive. In summary, the available evidence is currently insufficient to determine the role of this variant in disease. Therefore, it has been classified as a Variant of Uncertain Significance.